The following is an entry in ClinVar:

NM_002234.4(KCNA5):c.1061G>A (p.Arg354Gln)

Gene: KCNA5 (potassium voltage-gated channel subfamily A member 5; plus strand). Cytogenetic location: 12p13.32.
Variant type: single nucleotide variant.
Coding change: c.1061G>A on transcript NM_002234.4 (MANE Select); coding-DNA position 1061, G replaced by A.
Protein change: p.Arg354Gln; replaces arginine 354 with glutamine.
Molecular consequence: missense variant.
Genome position (GRCh38, 1-based): chr12:5,045,208, G>A. VCF-style: chr12-5045208-G-A. GRCh37 (hg19) VCF-style: chr12-5154374-G-A.
Other names: short protein forms R354Q.
Identifiers: ClinVar variation 4748587 (VCV004748587.1).

ClinVar aggregate classification (germline): Uncertain significance (1 of 4 stars; one submission).

Conditions:
Atrial fibrillation, familial, 7 (ATFB7). Identifiers: MedGen C2677106, MONDO:0012828, OMIM 612240.

Submission:

Labcorp Genetics (formerly Invitae), Labcorp
Classification: Uncertain significance for Atrial fibrillation, familial, 7. Last evaluated: 2025-07-09. Review status: criteria provided, single submitter. Criteria: Invitae Variant Classification Sherloc (09022015). Collection method: clinical testing. Allele origin: germline.
Comment: This sequence change replaces arginine, which is basic and polar, with glutamine, which is neutral and polar, at codon 354 of the KCNA5 protein (p.Arg354Gln). This variant is not present in population databases (gnomAD no frequency). This variant has not been reported in the literature in individuals affected with KCNA5-related conditions. Invitae Evidence Modeling of protein sequence and biophysical properties (such as structural, functional, and spatial information, amino acid conservation, physicochemical variation, residue mobility, and thermodynamic stability) indicates that this missense variant is not expected to disrupt KCNA5 protein function with a negative predictive value of 80%. In summary, the available evidence is currently insufficient to determine the role of this variant in disease. Therefore, it has been classified as a Variant of Uncertain Significance.